The following is an entry in ClinVar:

NM_001374736.1(DST):c.15570G>A (p.Glu5190=)

Gene: DST (dystonin; minus strand). Cytogenetic location: 6p12.1.
Variant type: single nucleotide variant.
Coding change: c.15570G>A on transcript NM_001374736.1 (MANE Select); coding-DNA position 15570, G replaced by A.
Protein change: p.Glu5190=; no amino-acid change (glutamic acid 5190 retained).
Molecular consequence: synonymous variant.
Genome position (GRCh38, 1-based): chr6:56,553,222, C>T on the plus strand (G>A on the coding strand, the complement: DST is on the minus strand). VCF-style: chr6-56553222-C-T. GRCh37 (hg19) VCF-style: chr6-56418020-C-T.
Other names: p.Glu2567=; c.9213G>A, p.Glu3071= (NM_001144769.5); c.8799G>A, p.Glu2933= (NM_001144770.2); c.15570G>A, p.Glu5190= (NM_001374722.1); c.14937G>A, p.Glu4979= (NM_001374729.1); c.8679G>A, p.Glu2893= (NM_001374730.1, NM_001386100.1, NM_183380.4); c.15597G>A, p.Glu5199= (NM_001374734.1); c.7701G>A, p.Glu2567= (NM_015548.5).
Identifiers: ClinVar variation 795671 (VCV000795671.40), dbSNP rs200941177, ClinGen allele CA3867802.
Genomic context (GRCh38, chr6:56,553,222, plus strand): 5'-AGACTTTAACTTGGCAATAGAATTCTCTCCTTCAGCAGGATCCAAGCAAAATTTTATTTC[C>T]TCCAGGTTGTTTTGGCATTTGTCTATCCATGGCCAGAGAGTCTCTACTTGCTCTTTATAC-3'
Protein context (NP_001361665.1, residues 5180-5200): PWIDKCQNNL[Glu5190=]EIKFCLDPAE

ClinVar aggregate classification (germline): Benign/Likely benign. Review status: criteria provided, multiple submitters, no conflicts (2 of 4 stars). 5 submissions from 5 submitters: Benign (1); Likely benign (3). 1 of the submissions does not count toward it. Last evaluated 2026-08-01.

Conditions:
DST-related disorder. Also called: DST-related condition; DST-related disorders.
Hereditary sensory and autonomic neuropathy type 6. Also called: HSAN VI; Neuropathy, hereditary sensory and autonomic, type VI. Identifiers: Orphanet 314381, MedGen C3539003, MONDO:0013839, OMIM 614653.
Epidermolysis bullosa simplex 3, localized or generalized intermediate, with BP230 deficiency (EBS3). Also called: Epidermolysis bullosa simplex, autosomal recessive 2; Epidermolysis bullosa simplex due to BP230 deficiency. Identifiers: Orphanet 412181, MedGen C3809470, MONDO:0014180, OMIM 615425.

Allele frequency attached by ClinVar (database versions not stated): ExAC 0.00064; gnomAD 0.00050 and 0.00052; gnomAD exomes 0.00065 and 0.00072; ESP Exome Variant Server 0.00068; TOPMed 0.00060.
gnomAD v4.1: 1,071 of 1,613,886 alleles (0.066%); highest among the groups gnomAD compares: Middle Eastern, 2.6%; 13 homozygotes.

Submissions (5):

CeGaT Center for Human Genetics Tuebingen
Classification: Likely benign. Last evaluated: 2026-08-01. Review status: criteria provided, single submitter. Criteria: CeGaT Center For Human Genetics Tuebingen Variant Classification Criteria Version 2. Collection method: clinical testing. Allele origin: germline. Affected: yes. Observed: 5 variant alleles.
Comment: DST: BP4, BP7

Labcorp Genetics (formerly Invitae), Labcorp
Classification: Benign for Epidermolysis bullosa simplex 3, localized or generalized intermediate, with BP230 deficiency; Hereditary sensory and autonomic neuropathy type 6. Last evaluated: 2025-12-31. Review status: criteria provided, single submitter. Criteria: Invitae Variant Classification Sherloc (09022015). Collection method: clinical testing. Allele origin: germline.

Mayo Clinic Laboratories, Mayo Clinic
Classification: Likely benign. Last evaluated: 2024-12-26. Review status: criteria provided, single submitter. Criteria: ACMG Guidelines, 2015. Collection method: clinical testing. Allele origin: germline. Observed: 7 variant alleles.
Comment: BP4, BP7

Blueprint Genetics
Classification: Likely benign. Last evaluated: 2024-10-15. Review status: criteria provided, single submitter. Criteria: ACMG Guidelines, 2015. Collection method: clinical testing. Allele origin: germline.

PreventionGenetics, part of Exact Sciences
Classification: Likely benign for DST-related condition. Last evaluated: 2019-04-05. Review status: no assertion criteria provided. Collection method: clinical testing. Allele origin: germline. Not counted in ClinVar's aggregate classification.
Comment: This variant is classified as likely benign based on ACMG/AMP sequence variant interpretation guidelines (Richards et al. 2015 PMID: 25741868, with internal and published modifications).